The following is an entry in ClinVar:

NM_000540.3(RYR1):c.2366G>T (p.Arg789Leu)

Gene: RYR1 (ryanodine receptor 1; plus strand). Cytogenetic location: 19q13.2.
Variant type: single nucleotide variant.
Coding change: c.2366G>T on transcript NM_000540.3 (MANE Select); coding-DNA position 2366, G replaced by T.
Protein change: p.Arg789Leu; replaces arginine 789 with leucine.
Molecular consequence: missense variant.
Genome position (GRCh38, 1-based): chr19:38,460,380, G>T. VCF-style: chr19-38460380-G-T. GRCh37 (hg19) VCF-style: chr19-38951020-G-T.
Other names: c.2366G>T, p.Arg789Leu (NM_001042723.2); short protein forms R789L.
Identifiers: ClinVar variation 2736874 (VCV002736874.3), dbSNP rs200069592, ClinGen allele CA405628471.

ClinVar aggregate classification (germline): Likely pathogenic (1 of 4 stars; one submission).

Conditions:
RYR1-related disorder. Also called: RYR1-related condition; RYR1-related disorders. Identifiers: MedGen CN239331.

gnomAD v4.1: 3 of 1,614,052 alleles (0.00019%); highest among the groups gnomAD compares: Non-Finnish European, 0.00025%; no homozygotes.

Submission:

Labcorp Genetics (formerly Invitae), Labcorp
Classification: Likely pathogenic for RYR1-related disorder. Last evaluated: 2023-10-20. Review status: criteria provided, single submitter. Criteria: Invitae Variant Classification Sherloc (09022015). Collection method: clinical testing. Allele origin: germline.
Comment: This sequence change replaces arginine, which is basic and polar, with leucine, which is neutral and non-polar, at codon 789 of the RYR1 protein (p.Arg789Leu). This variant is not present in population databases (gnomAD no frequency). This missense change has been observed in individual(s) with autosomal recessive RYR1-related myopathy (PMID: 22473935). In at least one individual the data is consistent with being in trans (on the opposite chromosome) from a pathogenic variant. Advanced modeling of protein sequence and biophysical properties (such as structural, functional, and spatial information, amino acid conservation, physicochemical variation, residue mobility, and thermodynamic stability) performed at Invitae indicates that this missense variant is expected to disrupt RYR1 protein function. In summary, the currently available evidence indicates that the variant is pathogenic, but additional data are needed to prove that conclusively. Therefore, this variant has been classified as Likely Pathogenic.

Literature cited by the submitters: PubMed 22473935.